The following is an entry in ClinVar:

NM_000501.4(ELN):c.*383T>G

Gene: ELN (elastin; plus strand). Cytogenetic location: 7q11.23.
Variant type: single nucleotide variant.
Coding change: c.*383T>G on transcript NM_000501.4 (MANE Select); 383 bases downstream of the stop codon, T replaced by G.
Molecular consequence: 3 prime UTR variant.
Genome position (GRCh38, 1-based): chr7:74,069,083, T>G. VCF-style: chr7-74069083-T-G. GRCh37 (hg19) VCF-style: chr7-73483413-T-G.
Other names: c.*383T>G (NM_001081752.3, NM_001081753.3, NM_001081754.3 and 9 more transcripts).
Identifiers: ClinVar variation 360667 (VCV000360667.5), dbSNP rs184490734, ClinGen allele CA10626375.

ClinVar aggregate classification (germline): Benign. Review status: criteria provided, single submitter (1 of 4 stars). 2 submissions from 1 submitter: Benign (2). Last evaluated 2018-01-13.

Conditions:
Supravalvar aortic stenosis (SVAS). Also called: Supravalvar aortic stenosis, Eisenberg type. Identifiers: Orphanet 3193, MedGen C0003499, MONDO:0008504, OMIM 185500, HP:0004381.
Cutis laxa, autosomal dominant 1 (ADCL1). Also called: ELN-Related Cutis Laxa. Identifiers: Orphanet 90348, MedGen C3276539, MONDO:0007411, OMIM 123700. Disease mechanism: Dominant Negative.

Allele frequency attached by ClinVar (database versions not stated): gnomAD exomes 0.00110; gnomAD 0.00738 and 0.00783; TOPMed 0.00860; 1000 Genomes Project 0.00938; 1000 Genomes Project 30x 0.00953.
gnomAD v4.1: 1,399 of 401,290 alleles (0.35%); highest among the groups gnomAD compares: African/African-American, 2.5%; 16 homozygotes.

Submissions (2):

Illumina Laboratory Services, Illumina
Classification: Benign for Supravalvar aortic stenosis. Last evaluated: 2018-01-13. Review status: criteria provided, single submitter. Criteria: ICSL Variant Classification Criteria 13 December 2019. Collection method: clinical testing. Allele origin: germline.
Comment: This variant was observed in the ICSL laboratory as part of a predisposition screen in an ostensibly healthy population. It had not been previously curated by ICSL or reported in the Human Gene Mutation Database (HGMD: prior to June 1st, 2018), and was therefore a candidate for classification through an automated scoring system. Utilizing variant allele frequency, disease prevalence and penetrance estimates, and inheritance mode, an automated score was calculated to assess if this variant is too frequent to cause the disease. Based on the score and internal cut-off values, a variant classified as benign is not then subjected to further curation. The score for this variant resulted in a classification of benign for this disease.

Illumina Laboratory Services, Illumina
Classification: Benign for Cutis laxa, autosomal dominant 1. Last evaluated: 2018-01-13. Review status: criteria provided, single submitter. Criteria: ICSL Variant Classification Criteria 13 December 2019. Collection method: clinical testing. Allele origin: germline.
Comment: the same text as in the submission from Illumina Laboratory Services, Illumina above.